The following is an entry in ClinVar:

NM_006017.3(PROM1):c.784+64T>C

Gene: PROM1 (prominin 1; minus strand). Cytogenetic location: 4p15.32.
Variant type: single nucleotide variant.
Coding change: c.784+64T>C on transcript NM_006017.3 (MANE Select); 64 bases into the intron after coding-DNA position 784, T replaced by C.
Molecular consequence: intron variant.
Genome position (GRCh38, 1-based): chr4:16,023,262, A>G on the plus strand (T>C on the coding strand, the complement: PROM1 is on the minus strand). VCF-style: chr4-16023262-A-G. GRCh37 (hg19) VCF-style: chr4-16024885-A-G.
Other names: c.757+64T>C (NM_001145848.2, NM_001145852.2, NM_001145847.2 and 4 more transcripts); c.784+64T>C (NM_001145850.2, NM_001145849.2).
Identifiers: ClinVar variation 677178 (VCV000677178.2), dbSNP rs2013854, ClinGen allele CA11639163.
Genomic context (GRCh38, chr4:16,023,262, plus strand): 5'-CATGGCCACGGACGGTGGCTCTCCCCAAGCCAGCTCTCAGGGAACAAGAAAAGAGTGAGC[A>G]AGCCTGCCAAGCCCAGGGACTCCTGGATGGAACTTTCTTTGGTCATTTTTGCCCACTGCT-3'

ClinVar aggregate classification (germline): Benign. Review status: criteria provided, multiple submitters, no conflicts (2 of 4 stars). 2 submissions from 2 submitters: Benign (2). Last evaluated 2018-06-14.

Allele frequency attached by ClinVar (database versions not stated): 1000 Genomes Project 30x 0.69941; 1000 Genomes Project 0.70208; TOPMed 0.73361; gnomAD 0.74558 and 0.74687; gnomAD exomes 0.78425.
gnomAD v4.1: 1,076,611 of 1,380,372 alleles (78%); highest among the groups gnomAD compares: Middle Eastern, 83%; 421,427 homozygotes.

Submissions (2):

GeneDx
Classification: Benign. Last evaluated: 2018-06-14. Review status: criteria provided, single submitter. Criteria: GeneDx Variant Classification (06012015). Collection method: clinical testing. Allele origin: germline. Affected: yes.
Comment: This variant is considered likely benign or benign based on one or more of the following criteria: it is a conservative change, it occurs at a poorly conserved position in the protein, it is predicted to be benign by multiple in silico algorithms, and/or has population frequency not consistent with disease.

Breakthrough Genomics
Classification: Benign. Review status: criteria provided, single submitter. Criteria: ACMG Guidelines, 2015. Collection method: not provided. Allele origin: germline. Inheritance: Autosomal recessive inheritance. Affected: yes.